The following is an entry in ClinVar:

NM_006846.4(SPINK5):c.1964G>A (p.Gly655Asp)

Gene: SPINK5 (serine peptidase inhibitor Kazal type 5; plus strand). Cytogenetic location: 5q32.
Variant type: single nucleotide variant.
Coding change: c.1964G>A on transcript NM_006846.4 (MANE Select); coding-DNA position 1964, G replaced by A.
Protein change: p.Gly655Asp; replaces glycine 655 with aspartic acid.
Molecular consequence: missense variant.
Genome position (GRCh38, 1-based): chr5:148,114,438, G>A. VCF-style: chr5-148114438-G-A. GRCh37 (hg19) VCF-style: chr5-147494001-G-A.
Other names: c.1964G>A, p.Gly655Asp (NM_001127698.2, NM_001127699.2); short protein forms G655D.
Identifiers: ClinVar variation 418504 (VCV000418504.45), dbSNP rs142227576, ClinGen allele CA3495808.

ClinVar aggregate classification (germline): Conflicting classifications of pathogenicity. Review status: criteria provided, conflicting classifications (1 of 4 stars). 7 submissions from 7 submitters: Uncertain significance (3); Likely benign (3). 1 of the submissions does not count toward it. Last evaluated 2026-01-25.

Conditions:
SPINK5-related disorder. Also called: SPINK5-related condition.
Ichthyosis linearis circumflexa. Identifiers: MedGen C0265962, MONDO:0043106, HP:0025810.
Netherton syndrome (NETH). Also called: NETHERTON DISEASE; ERYTHRODERMA, ICHTHYOSIFORM, WITH HYPOTRICHOSIS AND HYPER-IgE; COMEL-NETHERTON SYNDROME. Identifiers: Orphanet 634, MedGen C5574950, MONDO:0009735, OMIM 256500.

Allele frequency attached by ClinVar (database versions not stated): gnomAD 0.00313 and 0.00297; gnomAD exomes 0.00376 and 0.00263; 1000 Genomes Project 0.00060; 1000 Genomes Project 30x 0.00094; ExAC 0.00255; TOPMed 0.00283; ESP Exome Variant Server 0.00297.
gnomAD v4.1: 5,891 of 1,613,640 alleles (0.37%); highest among the groups gnomAD compares: Non-Finnish European, 0.45%; 11 homozygotes.

Submissions (7):

Labcorp Genetics (formerly Invitae), Labcorp
Classification: Likely benign for Ichthyosis linearis circumflexa. Last evaluated: 2026-01-25. Review status: criteria provided, single submitter. Criteria: Invitae Variant Classification Sherloc (09022015). Collection method: clinical testing. Allele origin: germline.

GeneDx
Classification: Uncertain significance. Last evaluated: 2025-11-18. Review status: criteria provided, single submitter. Criteria: GeneDx Variant Classification Process June 2021. Collection method: clinical testing. Allele origin: germline. Affected: yes.
Comment: Identified as a single heterozygous variant in a patient with congenital hydrocephalus, meningocele, seasonal rhinitis, reactive airway disease, and severe eczema who also harbored a pathogenic variant in the FLG gene (Daniel E and Jhaveri P. (2018) Annals of Allergy, Asthma & Immunology. 121 (5, supplement):S104); In silico analysis supports that this missense variant has a deleterious effect on protein structure/function; This variant is associated with the following publications: (PMID: Daniel_2018)

Blueprint Genetics
Classification: Likely benign. Last evaluated: 2024-11-25. Review status: criteria provided, single submitter. Criteria: ACMG Guidelines, 2015. Collection method: clinical testing. Allele origin: germline.

CeGaT Center for Human Genetics Tuebingen
Classification: Uncertain significance. Last evaluated: 2024-02-01. Review status: criteria provided, single submitter. Criteria: CeGaT Center For Human Genetics Tuebingen Variant Classification Criteria Version 2. Collection method: clinical testing. Allele origin: germline. Affected: yes. Observed: 3 variant alleles.

Center for Genomics, Ann and Robert H. Lurie Children's Hospital of Chicago
Classification: Uncertain significance for Netherton syndrome. Last evaluated: 2021-05-04. Review status: criteria provided, single submitter. Criteria: ACMG Guidelines, 2015. Collection method: clinical testing. Allele origin: germline.
Comment: SPINK5 NM_006846.3 exon 21 p.Gly655Asp (c.1964G>A):This variant has not been reported in the literature but is present in 0.4% (329/68022) of European alleles including 1 homozygote in the Genome Aggregation Database. This variant is present in ClinVar (Variation ID:418504). This variant amino acid Aspartic acid (Asp) is present in several bird species; this suggests that this variant may not impact the protein. However, additional computational prediction tools suggest that this variant may impact the protein. In summary, data on this variant is insufficient for disease classification. Therefore, the clinical significance of this variant is uncertain.

Illumina Laboratory Services, Illumina
Classification: Likely benign for Netherton syndrome. Last evaluated: 2018-01-13. Review status: criteria provided, single submitter. Criteria: ICSL Variant Classification Criteria 13 December 2019. Collection method: clinical testing. Allele origin: germline.
Comment: This variant was observed in the ICSL laboratory as part of a predisposition screen in an ostensibly healthy population. It had not been previously curated by ICSL or reported in the Human Gene Mutation Database (HGMD: prior to June 1st, 2018), and was therefore a candidate for classification through an automated scoring system. Utilizing variant allele frequency, disease prevalence and penetrance estimates, and inheritance mode, an automated score was calculated to assess if this variant is too frequent to cause the disease. Based on the score and internal cut-off values, a variant classified as likely benign is not then subjected to further curation. The score for this variant resulted in a classification of likely benign for this disease.

PreventionGenetics, part of Exact Sciences
Classification: Likely benign for SPINK5-related condition. Last evaluated: 2020-06-10. Review status: no assertion criteria provided. Collection method: clinical testing. Allele origin: germline. Not counted in ClinVar's aggregate classification.
Comment: This variant is classified as likely benign based on ACMG/AMP sequence variant interpretation guidelines (Richards et al. 2015 PMID: 25741868, with internal and published modifications).